The following is an entry in ClinVar:

NM_014915.3(ANKRD26):c.4472C>A (p.Ala1491Glu)

Gene: ANKRD26 (ankyrin repeat domain containing 26; minus strand). Cytogenetic location: 10p12.1.
Variant type: single nucleotide variant.
Coding change: c.4472C>A on transcript NM_014915.3 (MANE Select); coding-DNA position 4472, C replaced by A.
Protein change: p.Ala1491Glu; replaces alanine 1491 with glutamic acid.
Molecular consequence: missense variant.
Genome position (GRCh38, 1-based): chr10:27,017,536, G>T on the plus strand (C>A on the coding strand, the complement: ANKRD26 is on the minus strand). VCF-style: chr10-27017536-G-T. GRCh37 (hg19) VCF-style: chr10-27306465-G-T.
Other names: c.4469C>A, p.Ala1490Glu (NM_001256053.2); short protein forms A1490E, A1491E.
Identifiers: ClinVar variation 3913741 (VCV003913741.1).

ClinVar aggregate classification (germline): Uncertain significance (1 of 4 stars; one submission).

Conditions:
Inborn genetic diseases. Identifiers: MedGen C0950123, MeSH D030342.

Submission:

Ambry Genetics
Classification: Uncertain significance for Inborn genetic diseases. Last evaluated: 2025-04-14. Review status: criteria provided, single submitter. Criteria: Ambry Variant Classification Scheme 2023. Collection method: clinical testing. Allele origin: germline.
Comment: The p.A1491E variant (also known as c.4472C>A), located in coding exon 30 of the ANKRD26 gene, results from a C to A substitution at nucleotide position 4472. The alanine at codon 1491 is replaced by glutamic acid, an amino acid with dissimilar properties. This amino acid position is conserved. In addition, this alteration is predicted to be tolerated by in silico analysis. Based on the available evidence, the clinical significance of this variant remains unclear.